The following is an entry in ClinVar:

NM_000051.4(ATM):c.4000C>G (p.His1334Asp)

Gene: ATM (ATM serine/threonine kinase; plus strand). Cytogenetic location: 11q22.3.
Variant type: single nucleotide variant.
Coding change: c.4000C>G on transcript NM_000051.4 (MANE Select); coding-DNA position 4000, C replaced by G.
Protein change: p.His1334Asp; replaces histidine 1334 with aspartic acid.
Molecular consequence: missense variant.
Genome position (GRCh38, 1-based): chr11:108,287,606, C>G. VCF-style: chr11-108287606-C-G. GRCh37 (hg19) VCF-style: chr11-108158333-C-G.
Other names: c.4000C>G, p.His1334Asp (NM_001351834.2); short protein forms H1334D.
Identifiers: ClinVar variation 3450794 (VCV003450794.1).

ClinVar aggregate classification (germline): Uncertain significance (1 of 4 stars; one submission).

Conditions:
Hereditary cancer-predisposing syndrome. Also called: Tumor predisposition; Neoplastic Syndromes, Hereditary; Hereditary neoplastic syndrome; Hereditary Cancer Syndrome. Identifiers: Orphanet 140162, MedGen C0027672, MeSH D009386, MONDO:0015356.

Submission:

Ambry Genetics
Classification: Uncertain significance for Hereditary cancer-predisposing syndrome. Last evaluated: 2024-08-27. Review status: criteria provided, single submitter. Criteria: Ambry Variant Classification Scheme 2023. Collection method: clinical testing. Allele origin: germline.
Comment: The p.H1334D variant (also known as c.4000C>G), located in coding exon 26 of the ATM gene, results from a C to G substitution at nucleotide position 4000. The histidine at codon 1334 is replaced by aspartic acid, an amino acid with similar properties. This amino acid position is not well conserved in available vertebrate species. In addition, this alteration is predicted to be tolerated by in silico analysis. Based on the available evidence, the clinical significance of this variant remains unclear.